The following is an entry in ClinVar:

NM_001384732.1(CPLANE1):c.2422C>G (p.Leu808Val)

Gene: CPLANE1 (ciliogenesis and planar polarity effector complex subunit 1; minus strand). Cytogenetic location: 5p13.2.
Variant type: single nucleotide variant.
Coding change: c.2422C>G on transcript NM_001384732.1 (MANE Select); coding-DNA position 2422, C replaced by G.
Protein change: p.Leu808Val; replaces leucine 808 with valine.
Molecular consequence: missense variant.
Genome position (GRCh38, 1-based): chr5:37,224,610, G>C on the plus strand (C>G on the coding strand, the complement: CPLANE1 is on the minus strand). VCF-style: chr5-37224610-G-C. GRCh37 (hg19) VCF-style: chr5-37224712-G-C.
Other names: c.2422C>G, p.Leu808Val (NM_023073.4); short protein forms L808V.
Identifiers: ClinVar variation 1465317 (VCV001465317.8), dbSNP rs1290864107, ClinGen allele CA359492728.
Genomic context (GRCh38, chr5:37,224,610, plus strand): 5'-CTAAGGTTTGATTCAAGCAATCTCCAGTACTCTGTAGGTTAGCCTGCAAATGACATAACA[G>C]GGACTTGACAGTAGATGCTTCATGTGTCATCTTTTCAGTTAACTGACTATCAGCTTCAGG-3'
Protein context (NP_001371661.1, residues 798-818): MTHEASTVKS[Leu808Val]LCHLQANLQS

ClinVar aggregate classification (germline): Uncertain significance (1 of 4 stars; one submission).

gnomAD v4.1: 11 of 1,551,278 alleles (0.00071%); highest among the groups gnomAD compares: Non-Finnish European, 0.00096%; no homozygotes.

Submission:

Labcorp Genetics (formerly Invitae), Labcorp
Classification: Uncertain significance. Last evaluated: 2021-06-07. Review status: criteria provided, single submitter. Criteria: Invitae Variant Classification Sherloc (09022015). Collection method: clinical testing. Allele origin: germline.
Comment: This sequence change replaces leucine with valine at codon 808 of the CPLANE1 protein (p.Leu808Val). The leucine residue is weakly conserved and there is a small physicochemical difference between leucine and valine. This variant is not present in population databases (ExAC no frequency). This variant has not been reported in the literature in individuals with CPLANE1-related conditions. Advanced modeling of protein sequence and biophysical properties (such as structural, functional, and spatial information, amino acid conservation, physicochemical variation, residue mobility, and thermodynamic stability) performed at Invitae indicates that this missense variant is not expected to disrupt CPLANE1 protein function. In summary, the available evidence is currently insufficient to determine the role of this variant in disease. Therefore, it has been classified as a Variant of Uncertain Significance.